The following is an entry in ClinVar:

ClinVar aggregate classification (germline): Benign. Review status: criteria provided, single submitter (1 of 4 stars). 2 submissions from 2 submitters: Benign (1). 1 of the submissions does not count toward it. Last evaluated 2019-12-31.

Conditions:
ARID2-related disorder. Also called: ARID2-related condition.

Allele frequency attached by ClinVar (database versions not stated): gnomAD 0.00010 and 0.00021; TOPMed 0.00020; ESP Exome Variant Server 0.00023; gnomAD exomes 0.00041 and 0.00089; 1000 Genomes Project 30x 0.00047; 1000 Genomes Project 0.00060; ExAC 0.00096.
gnomAD v4.1: 647 of 1,614,142 alleles (0.04%); highest among the groups gnomAD compares: South Asian, 0.47%; 6 homozygotes.

Submissions (2):

Labcorp Genetics (formerly Invitae), Labcorp
Classification: Benign. Last evaluated: 2019-12-31. Review status: criteria provided, single submitter. Criteria: Invitae Variant Classification Sherloc (09022015). Collection method: clinical testing. Allele origin: germline.

PreventionGenetics, part of Exact Sciences
Classification: Benign for ARID2-related condition. Last evaluated: 2020-06-26. Review status: no assertion criteria provided. Collection method: clinical testing. Allele origin: germline. Not counted in ClinVar's aggregate classification.
Comment: This variant is classified as benign based on ACMG/AMP sequence variant interpretation guidelines (Richards et al. 2015 PMID: 25741868, with internal and published modifications).

NM_152641.4(ARID2):c.4349G>A (p.Gly1450Glu)

Gene: ARID2 (AT-rich interaction domain 2; plus strand). Cytogenetic location: 12q12.
Variant type: single nucleotide variant.
Coding change: c.4349G>A on transcript NM_152641.4 (MANE Select); coding-DNA position 4349, G replaced by A.
Protein change: p.Gly1450Glu; replaces glycine 1450 with glutamic acid.
Molecular consequence: missense variant.
Genome position (GRCh38, 1-based): chr12:45,852,472, G>A. VCF-style: chr12-45852472-G-A. GRCh37 (hg19) VCF-style: chr12-46246255-G-A.
Other names: c.4349G>A, p.Gly1450Glu (NM_001347839.2); c.4349G>A (NM_152641.3); short protein forms G1450E.
Identifiers: ClinVar variation 740410 (VCV000740410.6), dbSNP rs139806958, ClinGen allele CA6526638.
Genomic context (GRCh38, chr12:45,852,472, plus strand): 5'-GTATACAGGAGGCTTCAAATGCGGCAACACAGCAATTTAGTGGTACTGATTTGCTTAATG[G>A]ACCTCTAGCTTCAAGTTTGAATTCAGATGTGCCTCAGCAACGCCCAAGTGTAGTTGTCTC-3'
Protein context (NP_689854.2, residues 1440-1460): QQFSGTDLLN[Gly1450Glu]PLASSLNSDV